The following is an entry in ClinVar:

ClinVar aggregate classification (germline): Pathogenic. Review status: criteria provided, multiple submitters, no conflicts (2 of 4 stars). 7 submissions from 7 submitters: Pathogenic (7). Last evaluated 2026-01-29.

Conditions:
Hermansky-Pudlak syndrome (HPS). Also called: ALBINISM WITH HEMORRHAGIC DIATHESIS AND PIGMENTED RETICULOENDOTHELIAL CELLS. Identifiers: Orphanet 79430, MedGen C0079504, MONDO:0019312.
Hermansky-Pudlak syndrome 3 (HPS3). Identifiers: Orphanet 231512, Orphanet 79430, MedGen C3888001, MONDO:0013555, OMIM 614072.

Allele frequency attached by ClinVar (database versions not stated): gnomAD 0.00001; gnomAD exomes 0.00001 and 0.00005; TOPMed 0.00002; ExAC 0.00006.
gnomAD v4.1: 14 of 1,602,340 alleles (0.00087%); highest among the groups gnomAD compares: East Asian, 0.031%; no homozygotes.

Submissions (7):

Natera, Inc.
Classification: Pathogenic for Hermansky-Pudlak syndrome. Last evaluated: 2026-01-29. Review status: criteria provided, single submitter. Criteria: Natera Variant Classification Schema (03/2026). Collection method: clinical testing. Allele origin: germline.
Comment: The c.1838C>G variant in HPS3 is a nonsense variant predicted to introduce a stop codon at amino acid 613. This variant is expected to result in nonsense mediated decay, truncation, or a dysfunctional protein product. This variant is rare in the general population with a frequency below the threshold expected for the associated phenotype(s). This variant has been observed in one or more individuals affected with the associated recessive disease, as either homozygous or compound heterozygous with a second variant (PMID: 32725903, 30387913). Given the available evidence, this variant is classified as Pathogenic.

Medical and Scientific Branch, Hong Kong Genome Institute
Classification: Pathogenic for Hermansky-Pudlak syndrome 3. Last evaluated: 2026-01-26. Review status: criteria provided, single submitter. Criteria: ACMG Guidelines, 2015. Collection method: clinical testing. Allele origin: biparental. Affected: yes.

Labcorp Genetics (formerly Invitae), Labcorp
Classification: Pathogenic. Last evaluated: 2025-12-30. Review status: criteria provided, single submitter. Criteria: Invitae Variant Classification Sherloc (09022015). Collection method: clinical testing. Allele origin: germline.
Comment: This sequence change creates a premature translational stop signal (p.Ser613*) in the HPS3 gene. It is expected to result in an absent or disrupted protein product. Loss-of-function variants in HPS3 are known to be pathogenic (PMID: 11590544). This variant is present in population databases (rs755083879, gnomAD 0.06%). This premature translational stop signal has been observed in individual(s) with Hermansky-Pudlak syndrome (PMID: 30387913). ClinVar contains an entry for this variant (Variation ID: 660187). For these reasons, this variant has been classified as Pathogenic.

3billion
Classification: Pathogenic for Hermansky-Pudlak syndrome 3. Last evaluated: 2025-12-03. Review status: criteria provided, single submitter. Criteria: ACMG Guidelines, 2015. Collection method: clinical testing. Allele origin: germline. Affected: yes.
Comment: The variant is observed at an extremely low frequency in the gnomAD v4.1.0 dataset (total allele frequency: <0.001%). Predicted Consequence/Location: Stop-gained (nonsense): predicted to result in a loss or disruption of normal protein function through nonsense-mediated decay (NMD) or protein truncation. Multiple pathogenic variants are reported downstream of the variant. The variant has been reported at least twice as pathogenic with clinical assertions and evidence for the classification (ClinVar ID: VCV000660187 /PMID: 30387913). Therefore, this variant is classified as Pathogenic according to the recommendation of ACMG/AMP guideline.

Baylor Genetics
Classification: Pathogenic for Hermansky-Pudlak syndrome 3. Last evaluated: 2024-03-27. Review status: criteria provided, single submitter. Criteria: ACMG Guidelines, 2015. Collection method: clinical testing. Allele origin: unknown.

Fulgent Genetics
Classification: Pathogenic for Hermansky-Pudlak syndrome 3. Last evaluated: 2022-04-28. Review status: criteria provided, single submitter. Criteria: ACMG Guidelines, 2015. Collection method: clinical testing. Allele origin: unknown.

Juno Genomics, Hangzhou Juno Genomics, Inc
Classification: Pathogenic for Hermansky-Pudlak syndrome 3. Review status: criteria provided, single submitter. Criteria: ACMG Guidelines, 2015. Collection method: clinical testing. Allele origin: germline. Affected: yes.
Comment: Absent from controls (or at extremely low frequency if recessive) in Genome Aggregation Database, Exome Sequencing Project, 1000 Genomes Project, or Exome Aggregation Consortium.;Null variant in a gene where loss of function (LOF) is a known mechanism of disease.;For recessive disorders, detected in trans with a pathogenic variant.

Literature cited by the submitters: PubMed 32725903 (cited by Natera, Inc.); PubMed 30387913 (cited by 3 submitters); PubMed 11590544 (cited by Labcorp Genetics (formerly Invitae), Labcorp).

NM_032383.5(HPS3):c.1838C>G (p.Ser613Ter)

Gene: HPS3 (HPS3 biogenesis of lysosomal organelles complex 2 subunit 1; plus strand). Cytogenetic location: 3q24.
Variant type: single nucleotide variant.
Coding change: c.1838C>G on transcript NM_032383.5 (MANE Select); coding-DNA position 1838, C replaced by G.
Protein change: p.Ser613Ter; replaces serine 613 with a stop codon.
Molecular consequence: nonsense.
Genome position (GRCh38, 1-based): chr3:149,158,812, C>G. VCF-style: chr3-149158812-C-G. GRCh37 (hg19) VCF-style: chr3-148876599-C-G.
Other names: c.1343C>G, p.Ser448Ter (NM_001308258.2); short protein forms S613*, S448*.
Identifiers: ClinVar variation 660187 (VCV000660187.17), dbSNP rs755083879, ClinGen allele CA2660191.